The following is an entry in ClinVar:

NM_001754.5(RUNX1):c.614-12T>G

Gene: RUNX1 (RUNX family transcription factor 1; minus strand). Cytogenetic location: 21q22.12.
Variant type: single nucleotide variant.
Coding change: c.614-12T>G on transcript NM_001754.5 (MANE Select); 12 bases into the intron before coding-DNA position 614, T replaced by G.
Molecular consequence: intron variant.
Genome position (GRCh38, 1-based): chr21:34,834,613, A>C on the plus strand (T>G on the coding strand, the complement: RUNX1 is on the minus strand). VCF-style: chr21-34834613-A-C. GRCh37 (hg19) VCF-style: chr21-36206910-A-C.
Other names: c.533-12T>G (NM_001001890.3, NM_001122607.2).
Identifiers: ClinVar variation 1643286 (VCV001643286.9), dbSNP rs1260942095, ClinGen allele CA638054527.

ClinVar aggregate classification (germline): Likely benign. Review status: reviewed by expert panel (3 of 4 stars). 2 submissions from 2 submitters: Likely benign (1). 1 of the submissions does not count toward it. Last evaluated 2023-11-13.

Conditions:
Hereditary thrombocytopenia and hematological cancer predisposition syndrome associated with RUNX1. Also called: Familial Platelet Disorder with Propensity to Acute Myelogenous Leukemia; Familial thrombocytopenia with propensity to acute myelogenous leukemia; PLATELET DISORDER, ASPIRIN-LIKE; RUNX1 Familial Platelet Disorder with Associated Myeloid Malignancies. Identifiers: Orphanet 71290, MedGen C1832388, MeSH C563324, MONDO:0100083, OMIM 601399.

Allele frequency attached by ClinVar (database versions not stated): gnomAD exomes 0.00001 and below 0.00001; TOPMed 0.00001; gnomAD 0.00001 and 0.00002.
gnomAD v4.1: 20 of 1,417,000 alleles (0.0014%); highest among the groups gnomAD compares: Admixed American, 0.0018%; no homozygotes.

Submissions (2):

ClinGen Myeloid Malignancy Variant Curation Expert Panel
Classification: Likely benign for Hereditary thrombocytopenia and hematological cancer predisposition syndrome associated with RUNX1. Last evaluated: 2023-11-13. Review status: reviewed by expert panel. Criteria: ClinGen MyeloMalig ACMG Specifications v2. Collection method: curation. Allele origin: germline. Inheritance: Autosomal dominant inheritance.
Comment: BP4: This intronic variant has a SpliceAI Δ score 0< 0.2 BP7: Evolutionary conservation prediction algorithms predict the site as not being conserved (PhyloP score < 2.0 (BP7). In summary, this variant meets criteria to be classified as likely benign. ACMG/AMP criteria applied, as specified by the Myeloid Malignancy Variant Curation Expert Panel for RUNX1: BP4, BP7

Labcorp Genetics (formerly Invitae), Labcorp
Classification: Likely benign for Hereditary thrombocytopenia and hematological cancer predisposition syndrome associated with RUNX1. Last evaluated: 2025-06-02. Review status: criteria provided, single submitter. Criteria: Invitae Variant Classification Sherloc (09022015). Collection method: clinical testing. Allele origin: germline. Not counted in ClinVar's aggregate classification.